The following is an entry in ClinVar:

NM_000274.4(OAT):c.311A>G (p.Gln104Arg)

Gene: OAT (ornithine aminotransferase; minus strand). Cytogenetic location: 10q26.13.
Variant type: single nucleotide variant.
Coding change: c.311A>G on transcript NM_000274.4 (MANE Select); coding-DNA position 311, A replaced by G.
Protein change: p.Gln104Arg; replaces glutamine 104 with arginine.
Molecular consequence: missense variant. On other transcripts: 5 prime UTR variant (2), intron variant (1).
Genome position (GRCh38, 1-based): chr10:124,408,854, T>C on the plus strand (A>G on the coding strand, the complement: OAT is on the minus strand). VCF-style: chr10-124408854-T-C. GRCh37 (hg19) VCF-style: chr10-126097423-T-C.
Other names: c.-104A>G (NM_001171814.2); c.311A>G, p.Gln104Arg (NM_001322965.2, NM_001322966.2, NM_001322967.2 and 3 more transcripts); c.-404A>G (NM_001322974.2); c.199+3119A>G (NM_001322971.2); short protein forms Q104R.
Identifiers: ClinVar variation 56122 (VCV000056122.2), dbSNP rs386833604, ClinGen allele CA144148.

ClinVar aggregate classification (germline): Likely pathogenic (0 of 4 stars; one submission).

Conditions:
Ornithine aminotransferase deficiency (GACR). Also called: OAT DEFICIENCY; OKT DEFICIENCY; Ornithine ketoacid aminotransferase deficiency; Gyrate atrophy; Gyrate atrophy of choroid and retina; Girate atrophy of the retina. Identifiers: Orphanet 414, MedGen C0018425, MONDO:0009796, OMIM 258870.

Submission:

Juha Muilu Group; Institute for Molecular Medicine Finland (FIMM)
Classification: Likely pathogenic for Ornithine aminotransferase deficiency. Review status: no assertion criteria provided. Collection method: not provided. Allele origin: unknown.
Comment: FinDis database variant: This variant was not found or characterized by our laboratory, data were collected from public sources: see reference
ClinVar note: Converted during submission from probable-pathogenic to Likely pathogenic.